The following is an entry in ClinVar:

ClinVar aggregate classification (germline): Uncertain significance (1 of 4 stars; one submission).

Conditions:
Legius syndrome. Identifiers: Orphanet 137605, MedGen C1969623, MONDO:0012669, OMIM 611431. Disease mechanism: loss of function.

Submission:

Labcorp Genetics (formerly Invitae), Labcorp
Classification: Uncertain significance for Legius syndrome. Last evaluated: 2022-10-24. Review status: criteria provided, single submitter. Criteria: Invitae Variant Classification Sherloc (09022015). Collection method: clinical testing. Allele origin: germline.
Comment: Advanced modeling of protein sequence and biophysical properties (such as structural, functional, and spatial information, amino acid conservation, physicochemical variation, residue mobility, and thermodynamic stability) performed at Invitae indicates that this missense variant is not expected to disrupt SPRED1 protein function. In summary, the available evidence is currently insufficient to determine the role of this variant in disease. Therefore, it has been classified as a Variant of Uncertain Significance. ClinVar contains an entry for this variant (Variation ID: 970735). This variant has not been reported in the literature in individuals affected with SPRED1-related conditions. This variant is not present in population databases (gnomAD no frequency). This sequence change replaces histidine, which is basic and polar, with arginine, which is basic and polar, at codon 427 of the SPRED1 protein (p.His427Arg).

NM_152594.3(SPRED1):c.1280A>G (p.His427Arg)

Gene: SPRED1 (sprouty related EVH1 domain containing 1; plus strand). Cytogenetic location: 15q14.
Variant type: single nucleotide variant.
Coding change: c.1280A>G on transcript NM_152594.3 (MANE Select); coding-DNA position 1280, A replaced by G.
Protein change: p.His427Arg; replaces histidine 427 with arginine.
Molecular consequence: missense variant.
Genome position (GRCh38, 1-based): chr15:38,351,609, A>G. VCF-style: chr15-38351609-A-G. GRCh37 (hg19) VCF-style: chr15-38643810-A-G.
Other names: short protein forms H427R.
Identifiers: ClinVar variation 970735 (VCV000970735.10), dbSNP rs1888490898, ClinGen allele CA391934757.